The following is an entry in ClinVar:

NM_018367.7(ACER3):c.190A>G (p.Ile64Val)

Gene: ACER3 (alkaline ceramidase 3; plus strand). Cytogenetic location: 11q13.5.
Variant type: single nucleotide variant.
Coding change: c.190A>G on transcript NM_018367.7 (MANE Select); coding-DNA position 190, A replaced by G.
Protein change: p.Ile64Val; replaces isoleucine 64 with valine.
Molecular consequence: missense variant. On other transcripts: 5 prime UTR variant (2), intron variant (1).
Genome position (GRCh38, 1-based): chr11:76,926,643, A>G. VCF-style: chr11-76926643-A-G. GRCh37 (hg19) VCF-style: chr11-76637687-A-G.
Other names: c.-167A>G (NM_001300954.2); c.-43A>G (NM_001300955.2); c.104-32336A>G (NM_001300953.2); short protein forms I64V.
Identifiers: ClinVar variation 2052246 (VCV002052246.5), dbSNP rs142469431, ClinGen allele CA6195579.
Genomic context (GRCh38, chr11:76,926,643, plus strand): 5'-ATTATACCTCCAATGTTCGGTGCAGTTCAGAGTGTTAGAGACGGTCTGGAAAAGCGGTAC[A>G]TTGCTTCTTATTTAGCACTCACAGGTATGTATAACACTGTATCTGAAGAAATGTACAGTA-3'
Protein context (NP_060837.3, residues 54-74): SVRDGLEKRY[Ile64Val]ASYLALTVVG

ClinVar aggregate classification (germline): Uncertain significance (1 of 4 stars; one submission).

Allele frequency attached by ClinVar (database versions not stated): ExAC 0.00021; gnomAD 0.00044; TOPMed 0.00045; ESP Exome Variant Server 0.00046.
gnomAD v4.1: 952 of 1,593,722 alleles (0.06%); highest among the groups gnomAD compares: Non-Finnish European, 0.079%; 1 homozygote.

Submissions (2):

Labcorp Genetics (formerly Invitae), Labcorp
Classification: Uncertain significance. Last evaluated: 2025-07-29. Review status: criteria provided, single submitter. Criteria: Invitae Variant Classification Sherloc (09022015). Collection method: clinical testing. Allele origin: germline.
Comment: This sequence change replaces isoleucine, which is neutral and non-polar, with valine, which is neutral and non-polar, at codon 64 of the ACER3 protein (p.Ile64Val). This variant is present in population databases (rs142469431, gnomAD 0.05%), and has an allele count higher than expected for a pathogenic variant. This variant has not been reported in the literature in individuals affected with ACER3-related conditions. ClinVar contains an entry for this variant (Variation ID: 2052246). Invitae Evidence Modeling of protein sequence and biophysical properties (such as structural, functional, and spatial information, amino acid conservation, physicochemical variation, residue mobility, and thermodynamic stability) indicates that this missense variant is not expected to disrupt ACER3 protein function with a negative predictive value of 80%. Algorithms developed to predict the effect of sequence changes on RNA splicing suggest that this variant may create or strengthen a splice site. In summary, the available evidence is currently insufficient to determine the role of this variant in disease. Therefore, it has been classified as a Variant of Uncertain Significance.

Dr. Peter K. Rogan Lab, Western University
No classification provided (evidence only). Condition: Ovarian serous cystadenocarcinoma. Review status: no classification provided. Collection method: in vitro. Allele origin: not applicable. Functional consequence: retained intron. Not counted in ClinVar's aggregate classification.